The following is an entry in ClinVar:

ClinVar aggregate classification (germline): Pathogenic. Review status: criteria provided, multiple submitters, no conflicts (2 of 4 stars). 3 submissions from 3 submitters: Pathogenic (2). 1 of the submissions does not count toward it. Last evaluated 2023-12-29.

Conditions:
OTOF-related disorder. Also called: OTOF-related condition.
Autosomal recessive nonsyndromic hearing loss 9. Also called: NEUROSENSORY NONSYNDROMIC RECESSIVE DEAFNESS 9; AUDITORY NEUROPATHY, AUTOSOMAL RECESSIVE, 1, TEMPERATURE-SENSITIVE; OTOF-Related Hearing Loss; Deafness, autosomal recessive 9. Identifiers: Orphanet 90636, MedGen C1832828, MONDO:0010986, OMIM 601071.

Submissions (3):

Labcorp Genetics (formerly Invitae), Labcorp
Classification: Pathogenic. Last evaluated: 2023-12-29. Review status: criteria provided, single submitter. Criteria: Invitae Variant Classification Sherloc (09022015). Collection method: clinical testing. Allele origin: germline.
Comment: This sequence change creates a premature translational stop signal (p.Pro534Glnfs*4) in the OTOF gene. It is expected to result in an absent or disrupted protein product. Loss-of-function variants in OTOF are known to be pathogenic (PMID: 18381613, 19250381, 22575033). This variant is not present in population databases (gnomAD no frequency). This premature translational stop signal has been observed in individual(s) with deafness (PMID: 18381613). In at least one individual the data is consistent with being in trans (on the opposite chromosome) from a pathogenic variant. ClinVar contains an entry for this variant (Variation ID: 65778). For these reasons, this variant has been classified as Pathogenic.

Blueprint Genetics
Classification: Pathogenic for OTOF-related disorders. Last evaluated: 2020-01-01. Review status: criteria provided, single submitter. Criteria: ACMG Guidelines, 2015. Collection method: clinical testing. Allele origin: germline. Affected: yes. Observed: 1 variant allele.

GeneReviews
No classification provided. Condition: Autosomal recessive nonsyndromic hearing loss 9. Review status: no classification provided. Collection method: literature only. Allele origin: unknown. Not counted in ClinVar's aggregate classification.

Literature cited by the submitters: PubMed 18381613 (cited by Labcorp Genetics (formerly Invitae), Labcorp and GeneReviews); PubMed 19250381 (cited by Labcorp Genetics (formerly Invitae), Labcorp); PubMed 22575033 (cited by Labcorp Genetics (formerly Invitae), Labcorp); PubMed 20301429 (cited by GeneReviews); NCBI Bookshelf NBK1251 (cited by GeneReviews).

NM_194248.3(OTOF):c.1601del (p.Pro534fs)

Gene: OTOF (otoferlin; minus strand). Cytogenetic location: 2p23.3.
Variant type: Deletion.
Coding change: c.1601del on transcript NM_194248.3 (MANE Select); coding-DNA position 1601, one base deleted (C; older notation c.1601delC).
Protein change: p.Pro534fs; shifts the reading frame from proline 534.
Molecular consequence: frameshift variant.
Genome position (GRCh38, 1-based): chr2:26,480,988, G deleted on the plus strand (C on the coding strand, the reverse complement: OTOF is on the minus strand); the first of 3 consecutive G bases (chr2:26,480,988-26,480,990); deleting any one gives the same sequence. VCF-style (leftmost placement, unchanged base first): chr2-26480987-TG-T. GRCh37 (hg19) VCF-style: chr2-26703855-TG-T.
Other names: c.1601del, p.Pro534fs (NM_001287489.2); short protein forms P534fs.
Identifiers: ClinVar variation 65778 (VCV000065778.7), dbSNP rs397515583, ClinGen allele CA345089.
Genomic context (GRCh38, chr2:26,480,987, plus strand): 5'-GTCCTGATGCTCATCCAGCAGCGTGTAGTTACGTGTGGAGCCGTACATGTTCACCCAGGC[TG>T]GGCCCAGTGTGGGCAGGAAGCCTGTGGCAGTGGGAACAAAAATGAGGGGGCAGCGTCACA-3'